The following is an entry in ClinVar:

ClinVar aggregate classification (germline): Uncertain significance. Review status: criteria provided, multiple submitters, no conflicts (2 of 4 stars). 2 submissions from 2 submitters: Uncertain significance (2). Last evaluated 2023-05-19.

Conditions:
Severe combined immunodeficiency due to DNA-PKcs deficiency. Also called: Immunodeficiency 26 with or without neurologic abnormalities; IMMUNODEFICIENCY 26 WITH NEUROLOGIC ABNORMALITIES. Identifiers: Orphanet 317425, MedGen C4014833, MONDO:0014423, OMIM 615966.

gnomAD v4.1: 18 of 1,613,796 alleles (0.0011%); highest among the groups gnomAD compares: Non-Finnish European, 0.0015%; no homozygotes.

Submissions (2):

Labcorp Genetics (formerly Invitae), Labcorp
Classification: Uncertain significance for Severe combined immunodeficiency due to DNA-PKcs deficiency. Last evaluated: 2023-05-19. Review status: criteria provided, single submitter. Criteria: Invitae Variant Classification Sherloc (09022015). Collection method: clinical testing. Allele origin: germline.
Comment: ClinVar contains an entry for this variant (Variation ID: 859256). In summary, the available evidence is currently insufficient to determine the role of this variant in disease. Therefore, it has been classified as a Variant of Uncertain Significance. Advanced modeling of protein sequence and biophysical properties (such as structural, functional, and spatial information, amino acid conservation, physicochemical variation, residue mobility, and thermodynamic stability) performed at Invitae indicates that this missense variant is not expected to disrupt PRKDC protein function. This variant has not been reported in the literature in individuals affected with PRKDC-related conditions. This variant is not present in population databases (gnomAD no frequency). This sequence change replaces glutamic acid, which is acidic and polar, with lysine, which is basic and polar, at codon 513 of the PRKDC protein (p.Glu513Lys).

Ambry Genetics
Classification: Uncertain significance. Last evaluated: 2021-11-23. Review status: criteria provided, single submitter. Criteria: Ambry Variant Classification Scheme 2023. Collection method: clinical testing. Allele origin: germline.
Comment: The p.E513K variant (also known as c.1537G>A), located in coding exon 15 of the PRKDC gene, results from a G to A substitution at nucleotide position 1537. The glutamic acid at codon 513 is replaced by lysine, an amino acid with similar properties. This amino acid position is conserved. In addition, this alteration is predicted to be tolerated by in silico analysis. Since supporting evidence is limited at this time, the clinical significance of this alteration remains unclear.

NM_006904.7(PRKDC):c.1537G>A (p.Glu513Lys)

Gene: PRKDC (protein kinase, DNA-activated, catalytic subunit; minus strand). Cytogenetic location: 8q11.21.
Variant type: single nucleotide variant.
Coding change: c.1537G>A on transcript NM_006904.7 (MANE Select); coding-DNA position 1537, G replaced by A.
Protein change: p.Glu513Lys; replaces glutamic acid 513 with lysine.
Molecular consequence: missense variant.
Genome position (GRCh38, 1-based): chr8:47,934,051, C>T on the plus strand (G>A on the coding strand, the complement: PRKDC is on the minus strand). VCF-style: chr8-47934051-C-T. GRCh37 (hg19) VCF-style: chr8-48846611-C-T.
Other names: c.1537G>A, p.Glu513Lys (NM_001081640.2); short protein forms E513K.
Identifiers: ClinVar variation 859256 (VCV000859256.11), dbSNP rs2090304785, ClinGen allele CA371165438.